The following is an entry in ClinVar:

NM_000875.5(IGF1R):c.2273C>T (p.Thr758Met)

Gene: IGF1R (insulin like growth factor 1 receptor; plus strand). Cytogenetic location: 15q26.3.
Variant type: single nucleotide variant.
Coding change: c.2273C>T on transcript NM_000875.5 (MANE Select); coding-DNA position 2273, C replaced by T.
Protein change: p.Thr758Met; replaces threonine 758 with methionine.
Molecular consequence: missense variant.
Genome position (GRCh38, 1-based): chr15:98,922,219, C>T. VCF-style: chr15-98922219-C-T. GRCh37 (hg19) VCF-style: chr15-99465448-C-T.
Other names: c.2273C>T, p.Thr758Met (NM_001291858.2); short protein forms T758M.
Identifiers: ClinVar variation 2137746 (VCV002137746.5), dbSNP rs773205989, ClinGen allele CA7752357.

ClinVar aggregate classification (germline): Uncertain significance. Review status: criteria provided, multiple submitters, no conflicts (2 of 4 stars). 2 submissions from 2 submitters: Uncertain significance (2). Last evaluated 2022-06-30.

Conditions:
Growth delay due to insulin-like growth factor I resistance. Also called: IGF-I RESISTANCE; Somatomedin end-organ insensitivity to; Somatomedin-c resistance to; IGF-1 resistance; Insulin-Like Growth Factor I Resistance. Identifiers: Orphanet 73273, MedGen C1849157, MONDO:0010038, OMIM 270450.

Allele frequency attached by ClinVar (database versions not stated): gnomAD 0.00001; ExAC 0.00002; TOPMed 0.00002.
gnomAD v4.1: 19 of 1,614,080 alleles (0.0012%); highest among the groups gnomAD compares: South Asian, 0.0033%; no homozygotes.

Submissions (2):

Department of Pathology and Laboratory Medicine, Sinai Health System
Classification: Uncertain significance for Growth delay due to insulin-like growth factor I resistance. Last evaluated: 2022-06-30. Review status: criteria provided, single submitter. Criteria: ACMG Guidelines, 2015. Collection method: research. Allele origin: germline.

Labcorp Genetics (formerly Invitae), Labcorp
Classification: Uncertain significance. Last evaluated: 2022-05-12. Review status: criteria provided, single submitter. Criteria: Invitae Variant Classification Sherloc (09022015). Collection method: clinical testing. Allele origin: germline.
Comment: This variant has not been reported in the literature in individuals affected with IGF1R-related conditions. This sequence change replaces threonine, which is neutral and polar, with methionine, which is neutral and non-polar, at codon 758 of the IGF1R protein (p.Thr758Met). This variant is present in population databases (rs773205989, gnomAD 0.004%). Algorithms developed to predict the effect of missense changes on protein structure and function are either unavailable or do not agree on the potential impact of this missense change (SIFT: "Deleterious"; PolyPhen-2: "Benign"; Align-GVGD: "Class C65"). In summary, the available evidence is currently insufficient to determine the role of this variant in disease. Therefore, it has been classified as a Variant of Uncertain Significance.